The following is an entry in ClinVar:

NM_020427.3(SLURP1):c.261C>T (p.Ala87=)

Gene: SLURP1 (secreted LY6/PLAUR domain containing 1; minus strand). Cytogenetic location: 8q24.3.
Variant type: single nucleotide variant.
Coding change: c.261C>T on transcript NM_020427.3 (MANE Select); coding-DNA position 261, C replaced by T.
Protein change: p.Ala87=; no amino-acid change (alanine 87 retained).
Molecular consequence: synonymous variant.
Genome position (GRCh38, 1-based): chr8:142,741,194, G>A on the plus strand (C>T on the coding strand, the complement: SLURP1 is on the minus strand). VCF-style: chr8-142741194-G-A. GRCh37 (hg19) VCF-style: chr8-143822612-G-A.
Identifiers: ClinVar variation 362100 (VCV000362100.15), dbSNP rs62636564, ClinGen allele CA4904040.

ClinVar aggregate classification (germline): Benign. Review status: criteria provided, multiple submitters, no conflicts (2 of 4 stars). 3 submissions from 3 submitters: Benign (3). Last evaluated 2025-12-24.

Conditions:
Acroerythrokeratoderma (MDM). Also called: PALMOPLANTAR KERATODERMA, NORRBOTTEN RECESSIVE TYPE; PALMOPLANTAR KERATODERMA, GAMBORG NIELSEN TYPE; Mal de Meleda; KERATOSIS PALMOPLANTARIS TRANSGREDIENS OF SIEMENS; Meleda disease. Identifiers: Orphanet 87503, MedGen C0025221, MONDO:0009552, OMIM 248300.

Allele frequency attached by ClinVar (database versions not stated): ExAC 0.00612; gnomAD 0.01816 and 0.01928; ESP Exome Variant Server 0.01961; TOPMed 0.02028; 1000 Genomes Project 0.02216; 1000 Genomes Project 30x 0.02374.
gnomAD v4.1: 5,502 of 1,609,822 alleles (0.34%); highest among the groups gnomAD compares: African/African-American, 6%; 156 homozygotes.

Submissions (3):

Labcorp Genetics (formerly Invitae), Labcorp
Classification: Benign. Last evaluated: 2025-12-24. Review status: criteria provided, single submitter. Criteria: Invitae Variant Classification Sherloc (09022015). Collection method: clinical testing. Allele origin: germline.

Illumina Laboratory Services, Illumina
Classification: Benign for Acroerythrokeratoderma. Last evaluated: 2018-01-12. Review status: criteria provided, single submitter. Criteria: ICSL Variant Classification Criteria 13 December 2019. Collection method: clinical testing. Allele origin: germline.
Comment: This variant was observed in the ICSL laboratory as part of a predisposition screen in an ostensibly healthy population. It had not been previously curated by ICSL or reported in the Human Gene Mutation Database (HGMD: prior to June 1st, 2018), and was therefore a candidate for classification through an automated scoring system. Utilizing variant allele frequency, disease prevalence and penetrance estimates, and inheritance mode, an automated score was calculated to assess if this variant is too frequent to cause the disease. Based on the score and internal cut-off values, a variant classified as benign is not then subjected to further curation. The score for this variant resulted in a classification of benign for this disease.

Breakthrough Genomics
Classification: Benign. Review status: criteria provided, single submitter. Criteria: ACMG Guidelines, 2015. Collection method: not provided. Allele origin: germline. Inheritance: Autosomal recessive inheritance. Affected: yes.